The following is an entry in ClinVar:

NM_032043.3(BRIP1):c.1222T>C (p.Tyr408His)

Gene: BRIP1 (BRCA1 interacting DNA helicase 1; minus strand). Cytogenetic location: 17q23.2.
Variant type: single nucleotide variant.
Coding change: c.1222T>C on transcript NM_032043.3 (MANE Select); coding-DNA position 1222, T replaced by C.
Protein change: p.Tyr408His; replaces tyrosine 408 with histidine.
Molecular consequence: missense variant.
Genome position (GRCh38, 1-based): chr17:61,799,218, A>G on the plus strand (T>C on the coding strand, the complement: BRIP1 is on the minus strand). VCF-style: chr17-61799218-A-G. GRCh37 (hg19) VCF-style: chr17-59876579-A-G.
Other names: short protein forms Y408H.
Identifiers: ClinVar variation 4783589 (VCV004783589.1).
Genomic context (GRCh38, chr17:61,799,218, plus strand): 5'-TGTTGACCATACTATCTAGTTCATCCCGAGCAAACCGAAGCTGAACTTCTGTTACACTGT[A>G]ACTTGCTGATTCCCGAGCACAGTCCTCGATGTTATGAGCTTCATCTAAAATGACAACCTG-3'
Protein context (NP_114432.2, residues 398-418): IEDCARESAS[Tyr408His]SVTEVQLRFA

ClinVar aggregate classification (germline): Uncertain significance (1 of 4 stars; one submission).

Conditions:
Fanconi anemia complementation group J. Also called: BRIP1-Related Fanconi Anemia. Identifiers: Orphanet 84, MedGen C1836860, MONDO:0012187, OMIM 609054.
Familial cancer of breast. Also called: Hereditary breast cancer; hereditary breast carcinoma; BREAST CANCER, FAMILIAL. Identifiers: Orphanet 227535, MedGen C0346153, MONDO:0016419, OMIM 114480. Disease mechanism: loss of function.

Submission:

Labcorp Genetics (formerly Invitae), Labcorp
Classification: Uncertain significance for Familial cancer of breast; Fanconi anemia complementation group J. Last evaluated: 2025-04-02. Review status: criteria provided, single submitter. Criteria: Invitae Variant Classification Sherloc (09022015). Collection method: clinical testing. Allele origin: germline.
Comment: This sequence change replaces tyrosine, which is neutral and polar, with histidine, which is basic and polar, at codon 408 of the BRIP1 protein (p.Tyr408His). This variant is not present in population databases (gnomAD no frequency). This variant has not been reported in the literature in individuals affected with BRIP1-related conditions. Invitae Evidence Modeling of protein sequence and biophysical properties (such as structural, functional, and spatial information, amino acid conservation, physicochemical variation, residue mobility, and thermodynamic stability) has been performed for this missense variant. However, the output from this modeling did not meet the statistical confidence thresholds required to predict the impact of this variant on BRIP1 protein function. In summary, the available evidence is currently insufficient to determine the role of this variant in disease. Therefore, it has been classified as a Variant of Uncertain Significance.